The following is an entry in ClinVar:

ClinVar aggregate classification (germline): Likely benign (0 of 4 stars; one submission).

Conditions:
GRID1-related disorder. Also called: GRID1-related condition.

Allele frequency attached by ClinVar (database versions not stated): 1000 Genomes Project 30x 0.00156.
gnomAD v4.1: 195 of 1,494,744 alleles (0.013%); highest among the groups gnomAD compares: African/African-American, 0.27%; no homozygotes.

Submission:

PreventionGenetics, part of Exact Sciences
Classification: Likely benign for GRID1-related condition. Last evaluated: 2022-05-31. Review status: no assertion criteria provided. Collection method: clinical testing. Allele origin: germline.
Comment: This variant is classified as likely benign based on ACMG/AMP sequence variant interpretation guidelines (Richards et al. 2015 PMID: 25741868, with internal and published modifications).

NM_017551.3(GRID1):c.78C>A (p.Ile26=)

Genes: GRID1 (glutamate ionotropic receptor delta type subunit 1; minus strand), LOC130004225 (ATAC-STARR-seq lymphoblastoid silent region 2557; plus strand). Cytogenetic location: 10q23.2.
Variant type: single nucleotide variant.
Coding change: c.78C>A on transcript NM_017551.3 (MANE Select); coding-DNA position 78, C replaced by A.
Protein change: p.Ile26=; no amino-acid change (isoleucine 26 retained).
Molecular consequence: synonymous variant.
Genome position (GRCh38, 1-based): chr10:86,366,315, G>T on the plus strand (C>A on the coding strand, the complement: GRID1 is on the minus strand). VCF-style: chr10-86366315-G-T. GRCh37 (hg19) VCF-style: chr10-88126072-G-T.
Identifiers: ClinVar variation 3053413 (VCV003053413.2), dbSNP rs61856638, ClinGen allele CA5583138.